The following is an entry in ClinVar:

ClinVar aggregate classification (germline): Benign. Review status: criteria provided, multiple submitters, no conflicts (2 of 4 stars). 2 submissions from 2 submitters: Benign (2). Last evaluated 2018-06-14.

Allele frequency attached by ClinVar (database versions not stated): 1000 Genomes Project 0.85803; 1000 Genomes Project 30x 0.86134; gnomAD exomes 0.86394; gnomAD 0.89149 and 0.89954; TOPMed 0.89827.
gnomAD v4.1: 770,714 of 886,816 alleles (87%); highest among the groups gnomAD compares: African/African-American, 93%; 336,778 homozygotes.

Submissions (3):

GeneDx
Classification: Benign. Last evaluated: 2018-06-14. Review status: criteria provided, single submitter. Criteria: GeneDx Variant Classification (06012015). Collection method: clinical testing. Allele origin: germline. Affected: yes.
Comment: This variant is considered likely benign or benign based on one or more of the following criteria: it is a conservative change, it occurs at a poorly conserved position in the protein, it is predicted to be benign by multiple in silico algorithms, and/or has population frequency not consistent with disease.

Breakthrough Genomics
Classification: Benign. Review status: criteria provided, single submitter. Criteria: ACMG Guidelines, 2015. Collection method: not provided. Allele origin: germline. Inheritance: Autosomal recessive inheritance. Affected: yes.

Dr. Peter K. Rogan Lab, Western University
No classification provided (evidence only). Condition: Familial cancer of breast. Review status: no classification provided. Collection method: in vitro. Allele origin: not applicable. Functional consequence: retained intron. Not counted in ClinVar's aggregate classification.

NM_003640.5(ELP1):c.3856-81G>T

Gene: ELP1 (elongator acetyltransferase complex subunit 1; minus strand). Cytogenetic location: 9q31.3.
Variant type: single nucleotide variant.
Coding change: c.3856-81G>T on transcript NM_003640.5 (MANE Select); 81 bases into the intron before coding-DNA position 3856, G replaced by T.
Molecular consequence: intron variant.
Genome position (GRCh38, 1-based): chr9:108,875,051, C>A on the plus strand (G>T on the coding strand, the complement: ELP1 is on the minus strand). VCF-style: chr9-108875051-C-A. GRCh37 (hg19) VCF-style: chr9-111637331-C-A.
Other names: NC_000009.11:g.111637331C>A; c.3514-81G>T (NM_001318360.2); c.2809-81G>T (NM_001330749.2).
Identifiers: ClinVar variation 670534 (VCV000670534.3), dbSNP rs1981268, ClinGen allele CA15623582.